The following is an entry in ClinVar:

ClinVar aggregate classification (germline): Uncertain significance. Review status: criteria provided, multiple submitters, no conflicts (2 of 4 stars). 3 submissions from 3 submitters: Uncertain significance (3). Last evaluated 2024-04-16.

Conditions:
Catecholaminergic polymorphic ventricular tachycardia (CVPT). Also called: Catecholamine-induced polymorphic ventricular tachycardia. Identifiers: Orphanet 3286, MedGen C5574922, MONDO:0017990.
Catecholaminergic polymorphic ventricular tachycardia 1. Also called: VENTRICULAR TACHYCARDIA, CATECHOLAMINERGIC POLYMORPHIC, 1, WITH OR WITHOUT ATRIAL DYSFUNCTION AND/OR DILATED CARDIOMYOPATHY; VENTRICULAR TACHYCARDIA, STRESS-INDUCED POLYMORPHIC 1; RYR2-Related Catecholaminergic Polymorphic Ventricular Tachycardia. Identifiers: Orphanet 3286, MedGen C1631597, MONDO:0011484, OMIM 604772.

gnomAD v4.1: 2 of 1,614,000 alleles (0.00012%); highest among the groups gnomAD compares: Non-Finnish European, 0.00017%; no homozygotes.

Submissions (3):

All of Us Research Program, National Institutes of Health
Classification: Uncertain significance for Catecholaminergic polymorphic ventricular tachycardia. Last evaluated: 2024-04-16. Review status: criteria provided, single submitter. Criteria: ACMG Guidelines, 2015. Collection method: clinical testing. Allele origin: germline. Inheritance: Autosomal dominant inheritance. Observed: 2 variant alleles, 2 heterozygotes.
Comment: This missense variant replaces asparagine with lysine at codon 198 of the RYR2 protein. Computational prediction suggests that this variant may not impact protein structure and function (internally defined REVEL score threshold <= 0.5, PMID: 27666373). To our knowledge, functional studies have not been reported for this variant. This variant has not been reported in individuals affected with RYR2-related disorders in the literature. This variant has not been identified in the general population by the Genome Aggregation Database (gnomAD). The available evidence is insufficient to determine the role of this variant in disease conclusively. Therefore, this variant is classified as a Variant of Uncertain Significance.

This study involves interpretation of variants in research participants for the purpose of population health screening. Participant phenotype was not available at the time of variant classification. Additional details can be found in publication PMID: 35346344, PMCID: PMC8962531

GeneDx
Classification: Uncertain significance. Last evaluated: 2022-04-11. Review status: criteria provided, single submitter. Criteria: GeneDx Variant Classification Process June 2021. Collection method: clinical testing. Allele origin: germline. Affected: yes.
Comment: Not observed at significant frequency in large population cohorts (gnomAD); In silico analysis supports that this missense variant has a deleterious effect on protein structure/function; Has not been previously published as pathogenic or benign to our knowledge; Located in one of the three hot-spot regions of the RYR2 gene, where the majority of pathogenic missense variants occur (Medeiros-Domingo et al., 2009)

Labcorp Genetics (formerly Invitae), Labcorp
Classification: Uncertain significance for Catecholaminergic polymorphic ventricular tachycardia 1. Last evaluated: 2021-12-01. Review status: criteria provided, single submitter. Criteria: Invitae Variant Classification Sherloc (09022015). Collection method: clinical testing. Allele origin: germline.
Comment: This sequence change replaces asparagine, which is neutral and polar, with lysine, which is basic and polar, at codon 198 of the RYR2 protein (p.Asn198Lys). This variant is not present in population databases (gnomAD no frequency). This variant has not been reported in the literature in individuals affected with RYR2-related conditions. Advanced modeling of protein sequence and biophysical properties (such as structural, functional, and spatial information, amino acid conservation, physicochemical variation, residue mobility, and thermodynamic stability) performed at Invitae indicates that this missense variant is not expected to disrupt RYR2 protein function. Algorithms developed to predict the effect of sequence changes on RNA splicing suggest that this variant may create or strengthen a splice site. In summary, the available evidence is currently insufficient to determine the role of this variant in disease. Therefore, it has been classified as a Variant of Uncertain Significance.

NM_001035.3(RYR2):c.594C>A (p.Asn198Lys)

Gene: RYR2 (ryanodine receptor 2; plus strand). Cytogenetic location: 1q43.
Variant type: single nucleotide variant.
Coding change: c.594C>A on transcript NM_001035.3 (MANE Select); coding-DNA position 594, C replaced by A.
Protein change: p.Asn198Lys; replaces asparagine 198 with lysine.
Molecular consequence: missense variant.
Genome position (GRCh38, 1-based): chr1:237,387,298, C>A. VCF-style: chr1-237387298-C-A. GRCh37 (hg19) VCF-style: chr1-237550598-C-A.
Other names: short protein forms N198K.
Identifiers: ClinVar variation 1710830 (VCV001710830.5), dbSNP rs727504676, ClinGen allele CA345377213.